The following is an entry in ClinVar:

NM_000552.5(VWF):c.780dup (p.Leu261fs)

Gene: VWF (von Willebrand factor; minus strand). Cytogenetic location: 12p13.31.
Variant type: Duplication.
Coding change: c.780dup on transcript NM_000552.5 (MANE Select); coding-DNA position 780, one base duplicated (G; older notation c.780dupG).
Protein change: p.Leu261fs; shifts the reading frame from leucine 261.
Molecular consequence: frameshift variant.
Genome position (GRCh38, 1-based): chr12:6,075,429, C duplicated on the plus strand (G on the coding strand, the reverse complement: VWF is on the minus strand); the first of 6 consecutive C bases (chr12:6,075,429-6,075,434); duplicating any one gives the same sequence. VCF-style (leftmost placement, unchanged base first): chr12-6075428-G-GC. GRCh37 (hg19) VCF-style: chr12-6184594-G-GC.
Other names: c.780dupG (NM_000552.5); short protein forms L261fs.
Identifiers: ClinVar variation 3339480 (VCV003339480.1).

ClinVar aggregate classification (germline): Likely pathogenic (1 of 4 stars; one submission).

Conditions:
von Willebrand disorder (VWD). Also called: von Willebrand Diseases; Von Willebrand disease (hereditary or acquired); von Willebrand's disease. Identifiers: MedGen C0042974, MeSH D014842, MONDO:0024574.

Submission:

Women's Health and Genetics/Laboratory Corporation of America, LabCorp
Classification: Likely pathogenic for von Willebrand disorder. Last evaluated: 2024-07-16. Review status: criteria provided, single submitter. Criteria: LabCorp Variant Classification Summary - May 2015. Collection method: clinical testing. Allele origin: germline.
Comment: Variant summary: VWF c.780dupG (p.Leu261AlafsX42) results in a premature termination codon, predicted to cause a truncation of the encoded protein or absence of the protein due to nonsense mediated decay, which are commonly known mechanisms for disease. The variant allele was found at a frequency of 8e-06 in 251064 control chromosomes. To our knowledge, no occurrence of c.780dupG in individuals affected with Von Willebrand Disease and no experimental evidence demonstrating its impact on protein function have been reported. No submitters have cited clinical-significance assessments for this variant to ClinVar. Based on the evidence outlined above, the variant was classified as likely pathogenic.